The following is an entry in ClinVar:

ClinVar aggregate classification (germline): Uncertain significance (1 of 4 stars; one submission).

Conditions:
Cardiovascular phenotype. Identifiers: MedGen CN230736.
Hereditary cancer-predisposing syndrome. Also called: Tumor predisposition; Neoplastic Syndromes, Hereditary; Hereditary Cancer Syndrome; Hereditary neoplastic syndrome. Identifiers: Orphanet 140162, MedGen C0027672, MeSH D009386, MONDO:0015356.

gnomAD v4.1: 1 of 1,611,986 alleles (0.000062%); highest among the groups gnomAD compares: Non-Finnish European, 0.000085%; no homozygotes.

Submission:

Ambry Genetics
Classification: Uncertain significance for Cardiovascular phenotype; Hereditary cancer-predisposing syndrome. Last evaluated: 2025-02-13. Review status: criteria provided, single submitter. Criteria: Ambry Variant Classification Scheme 2023. Collection method: clinical testing. Allele origin: germline.
Comment: The p.H2769N variant (also known as c.8305C>A), located in coding exon 56 of the NF1 gene, results from a C to A substitution at nucleotide position 8305. The histidine at codon 2769 is replaced by asparagine, an amino acid with similar properties. This amino acid position is conserved. In addition, this alteration is predicted to be tolerated by in silico analysis. Based on the available evidence, the clinical significance of this variant remains unclear.

NM_001042492.3(NF1):c.8368C>A (p.His2790Asn)

Gene: NF1 (neurofibromin 1; plus strand). Cytogenetic location: 17q11.2.
Variant type: single nucleotide variant.
Coding change: c.8368C>A on transcript NM_001042492.3 (MANE Select); coding-DNA position 8368, C replaced by A.
Protein change: p.His2790Asn; replaces histidine 2790 with asparagine.
Molecular consequence: missense variant.
Genome position (GRCh38, 1-based): chr17:31,360,694, C>A. VCF-style: chr17-31360694-C-A. GRCh37 (hg19) VCF-style: chr17-29687712-C-A.
Other names: c.8305C>A, p.His2769Asn (NM_000267.4); short protein forms H2790N, H2769N.
Identifiers: ClinVar variation 3879116 (VCV003879116.1).